The following is an entry in ClinVar:

ClinVar aggregate classification (germline): Uncertain significance (1 of 4 stars; one submission).

Submission:

CeGaT Center for Human Genetics Tuebingen
Classification: Uncertain significance. Last evaluated: 2025-12-01. Review status: criteria provided, single submitter. Criteria: CeGaT Center For Human Genetics Tuebingen Variant Classification Criteria Version 2. Collection method: clinical testing. Allele origin: germline. Affected: yes. Observed: 1 variant allele.
Comment: PPP2R5C: PM2, BP4

NM_001352913.2(PPP2R5C):c.1685A>G (p.Lys562Arg)

Gene: PPP2R5C (protein phosphatase 2 regulatory subunit B'gamma; plus strand). Cytogenetic location: 14q32.31.
Variant type: single nucleotide variant.
Coding change: c.1685A>G on transcript NM_001352913.2 (MANE Select); coding-DNA position 1685, A replaced by G.
Protein change: p.Lys562Arg; replaces lysine 562 with arginine.
Molecular consequence: missense variant.
Genome position (GRCh38, 1-based): chr14:101,925,217, A>G. VCF-style: chr14-101925217-A-G. GRCh37 (hg19) VCF-style: chr14-102391554-A-G.
Other names: c.1613A>G, p.Lys538Arg (NM_001161725.2); c.1568A>G, p.Lys523Arg (NM_001161726.2); c.1403A>G, p.Lys468Arg (NM_001352912.1, NM_178586.3); c.1583A>G, p.Lys528Arg (NM_001352914.2); c.1295A>G, p.Lys432Arg (NM_001352915.2); c.1178A>G, p.Lys393Arg (NM_001352916.2); c.1520A>G, p.Lys507Arg (NM_002719.4); short protein forms K393R, K432R, K468R, K507R, K523R, K528R, K538R, K562R.
Identifiers: ClinVar variation 4535415 (VCV004535415.6).